The following is an entry in ClinVar:

NM_006361.6(HOXB13):c.374C>T (p.Thr125Ile)

Gene: HOXB13 (homeobox B13; minus strand). Cytogenetic location: 17q21.32.
Variant type: single nucleotide variant.
Coding change: c.374C>T on transcript NM_006361.6 (MANE Select); coding-DNA position 374, C replaced by T.
Protein change: p.Thr125Ile; replaces threonine 125 with isoleucine.
Molecular consequence: missense variant.
Genome position (GRCh38, 1-based): chr17:48,728,220, G>A on the plus strand (C>T on the coding strand, the complement: HOXB13 is on the minus strand). VCF-style: chr17-48728220-G-A. GRCh37 (hg19) VCF-style: chr17-46805582-G-A.
Other names: short protein forms T125I.
Identifiers: ClinVar variation 1023489 (VCV001023489.10), dbSNP rs1247372223, ClinGen allele CA400107593.

ClinVar aggregate classification (germline): Uncertain significance. Review status: criteria provided, multiple submitters, no conflicts (2 of 4 stars). 2 submissions from 2 submitters: Uncertain significance (2). Last evaluated 2025-12-18.

Conditions:
Hereditary cancer-predisposing syndrome. Also called: Hereditary Cancer Syndrome; Neoplastic Syndromes, Hereditary; Tumor predisposition; Hereditary neoplastic syndrome. Identifiers: Orphanet 140162, MedGen C0027672, MeSH D009386, MONDO:0015356.

Allele frequency attached by ClinVar (database versions not stated): gnomAD exomes below 0.00001 and 0.00001; TOPMed below 0.00001.
gnomAD v4.1: 3 of 1,614,232 alleles (0.00019%); highest among the groups gnomAD compares: South Asian, 0.0011%; no homozygotes.

Submissions (2):

Labcorp Genetics (formerly Invitae), Labcorp
Classification: Uncertain significance. Last evaluated: 2025-12-18. Review status: criteria provided, single submitter. Criteria: Invitae Variant Classification Sherloc (09022015). Collection method: clinical testing. Allele origin: germline.
Comment: This sequence change replaces threonine, which is neutral and polar, with isoleucine, which is neutral and non-polar, at codon 125 of the HOXB13 protein (p.Thr125Ile). This variant is present in population databases (no rsID available, gnomAD 0.0009%). This variant has not been reported in the literature in individuals affected with HOXB13-related conditions. ClinVar contains an entry for this variant (Variation ID: 1023489). Invitae Evidence Modeling of protein sequence and biophysical properties (such as structural, functional, and spatial information, amino acid conservation, physicochemical variation, residue mobility, and thermodynamic stability) indicates that this missense variant is not expected to disrupt HOXB13 protein function with a negative predictive value of 80%. In summary, the available evidence is currently insufficient to determine the role of this variant in disease. Therefore, it has been classified as a Variant of Uncertain Significance.

Ambry Genetics
Classification: Uncertain significance for Hereditary cancer-predisposing syndrome. Last evaluated: 2024-04-26. Review status: criteria provided, single submitter. Criteria: Ambry Variant Classification Scheme 2023. Collection method: clinical testing. Allele origin: germline.
Comment: The p.T125I variant (also known as c.374C>T), located in coding exon 1 of the HOXB13 gene, results from a C to T substitution at nucleotide position 374. The threonine at codon 125 is replaced by isoleucine, an amino acid with similar properties. This amino acid position is not well conserved in available vertebrate species. In addition, this alteration is predicted to be tolerated by in silico analysis. Since supporting evidence is limited at this time, the clinical significance of this alteration remains unclear.